The following is an entry in ClinVar:

NM_139343.3(BIN1):c.1155G>A (p.Ser385=)

Gene: BIN1 (bridging integrator 1; minus strand). Cytogenetic location: 2q14.3.
Variant type: single nucleotide variant.
Coding change: c.1155G>A on transcript NM_139343.3 (MANE Select); coding-DNA position 1155, G replaced by A.
Protein change: p.Ser385=; no amino-acid change (serine 385 retained).
Molecular consequence: synonymous variant. On other transcripts: intron variant (12).
Genome position (GRCh38, 1-based): chr2:127,053,989, C>T on the plus strand (G>A on the coding strand, the complement: BIN1 is on the minus strand). VCF-style: chr2-127053989-C-T. GRCh37 (hg19) VCF-style: chr2-127811565-C-T.
Other names: c.1062G>A, p.Ser354= (NM_001320641.2); c.1074G>A, p.Ser358= (NM_001320642.1); c.1026G>A, p.Ser342= (NM_139344.3); c.838-3077G>A (NM_001320634.1); c.910-3077G>A (NM_139351.3); c.910-2746G>A (NM_139350.3); c.910-1627G>A (NM_139349.3); c.1039-2746G>A (NM_139348.3); and 7 more.
Identifiers: ClinVar variation 3619295 (VCV003619295.2).

ClinVar aggregate classification (germline): Uncertain significance (1 of 4 stars; one submission).

Conditions:
Myopathy, centronuclear, 2 (CNM2). Also called: MYOTUBULAR MYOPATHY, AUTOSOMAL RECESSIVE. Identifiers: Orphanet 169186, MedGen CN031787, MONDO:0009709, OMIM 255200.

gnomAD v4.1: 4 of 1,551,364 alleles (0.00026%); highest among the groups gnomAD compares: South Asian, 0.0012%; no homozygotes.

Submission:

Labcorp Genetics (formerly Invitae), Labcorp
Classification: Uncertain significance for Myopathy, centronuclear, 2. Last evaluated: 2024-05-06. Review status: criteria provided, single submitter. Criteria: Invitae Variant Classification Sherloc (09022015). Collection method: clinical testing. Allele origin: germline.
Comment: This sequence change affects codon 385 of the BIN1 mRNA. It is a 'silent' change, meaning that it does not change the encoded amino acid sequence of the BIN1 protein. This variant is not present in population databases (gnomAD no frequency). This variant has not been reported in the literature in individuals affected with BIN1-related conditions. Algorithms developed to predict the effect of sequence changes on RNA splicing suggest that this variant may disrupt the consensus splice site. In summary, the available evidence is currently insufficient to determine the role of this variant in disease. Therefore, it has been classified as a Variant of Uncertain Significance.